The following is an entry in ClinVar:

NM_000059.4(BRCA2):c.219del (p.Gln73fs)

Gene: BRCA2 (BRCA2 DNA repair associated; plus strand). Cytogenetic location: 13q13.1.
Variant type: Deletion.
Coding change: c.219del on transcript NM_000059.4 (MANE Select); coding-DNA position 219, one base deleted (G; older notation c.219delG).
Protein change: p.Gln73fs; shifts the reading frame from glutamine 73.
Molecular consequence: frameshift variant. On other transcripts: 5 prime UTR variant (1), non-coding transcript variant (1).
Genome position (GRCh38, 1-based): chr13:32,319,228, G deleted. VCF-style (leftmost placement, unchanged base first): chr13-32319227-AG-A. GRCh37 (hg19) VCF-style: chr13-32893364-AG-A.
Other names: c.219del, p.Gln73fs (NM_001406719.1, NM_001406720.1, NM_001406721.1 and 1 more transcripts); c.-151del (NM_001406722.1); short protein forms Q73fs.
Identifiers: ClinVar variation 4813128 (VCV004813128.1).

ClinVar aggregate classification (germline): Pathogenic (1 of 4 stars; one submission).

Conditions:
Inherited ovarian cancer (without breast cancer).

Submission:

Genetics Laboratory, Great Ormond Street Hospital NHS Foundation Trust, North Thames Genomic Laboratory Hub
Classification: Pathogenic for Inherited ovarian cancer (without breast cancer). Last evaluated: 2026-01-07. Review status: criteria provided, single submitter. Criteria: CanVIG BRCA Gene Specific V1.22. Collection method: clinical testing. Allele origin: germline. Affected: yes.
Comment: PM2_moderate, PVS1_very-strong, PM5_strong